The following is an entry in ClinVar:

NM_000038.6(APC):c.1792C>T (p.His598Tyr)

Gene: APC (APC regulator of Wnt signaling pathway; plus strand). Cytogenetic location: 5q22.2.
Variant type: single nucleotide variant.
Coding change: c.1792C>T on transcript NM_000038.6 (MANE Select); coding-DNA position 1792, C replaced by T.
Protein change: p.His598Tyr; replaces histidine 598 with tyrosine.
Molecular consequence: missense variant. On other transcripts: non-coding transcript variant (2).
Genome position (GRCh38, 1-based): chr5:112,834,999, C>T. VCF-style: chr5-112834999-C-T. GRCh37 (hg19) VCF-style: chr5-112170696-C-T.
Other names: c.1519C>T, p.His507Tyr (NM_001354902.2); c.1771C>T, p.His591Tyr (NM_001407451.1); c.1762C>T, p.His588Tyr (NM_001407452.1); c.1615C>T, p.His539Tyr (NM_001407453.1, NM_001354901.2); c.1543C>T, p.His515Tyr (NM_001407454.1, NM_001407455.1, NM_001407456.1 and 1 more transcripts); c.1489C>T, p.His497Tyr (NM_001354903.2, NM_001407458.1, NM_001407459.1 and 1 more transcripts); c.1414C>T, p.His472Tyr (NM_001354904.2); c.1312C>T, p.His438Tyr (NM_001354905.2); and 11 more; short protein forms H472Y, H515Y, H588Y, H214Y, H438Y, H469Y, H507Y, H570Y.
Identifiers: ClinVar variation 3303453 (VCV003303453.1).

ClinVar aggregate classification (germline): Uncertain significance (1 of 4 stars; one submission).

Conditions:
Hereditary cancer-predisposing syndrome. Also called: Tumor predisposition; Hereditary Cancer Syndrome; Hereditary neoplastic syndrome; Neoplastic Syndromes, Hereditary. Identifiers: Orphanet 140162, MedGen C0027672, MeSH D009386, MONDO:0015356.

Submission:

Ambry Genetics
Classification: Uncertain significance for Hereditary cancer-predisposing syndrome. Last evaluated: 2024-05-08. Review status: criteria provided, single submitter. Criteria: Ambry Variant Classification Scheme 2023. Collection method: clinical testing. Allele origin: germline.
Comment: The p.H598Y variant (also known as c.1792C>T), located in coding exon 14 of the APC gene, results from a C to T substitution at nucleotide position 1792. The histidine at codon 598 is replaced by tyrosine, an amino acid with similar properties. This amino acid position is highly conserved in available vertebrate species. In addition, in silico predictors for this gene do not accurately predict pathogenicity. Based on the available evidence, the clinical significance of this variant remains unclear.